The following is an entry in ClinVar:

NM_000100.3(CSTB):c.-47G>T

Genes: CSTB (cystatin B; minus strand), LOC130066788 (ATAC-STARR-seq lymphoblastoid silent region 13368; plus strand). Cytogenetic location: 21q22.3.
Variant type: single nucleotide variant.
Coding change: c.-47G>T on transcript NM_000100.3; 47 bases upstream of the start codon, G replaced by T.
Genome position (GRCh38, 1-based): chr21:43,776,316, C>A on the plus strand (G>T on the coding strand, the complement: CSTB is on the minus strand). VCF-style: chr21-43776316-C-A. GRCh37 (hg19) VCF-style: chr21-45196197-C-A.
Identifiers: ClinVar variation 384017 (VCV000384017.3), dbSNP rs574162390, ClinGen allele CA10048960.

ClinVar aggregate classification (germline): Likely benign (1 of 4 stars; one submission).

Allele frequency attached by ClinVar (database versions not stated): gnomAD exomes 0.00006 and 0.00009; 1000 Genomes Project 0.00020; ExAC below 0.00001; TOPMed 0.00004.

Submission:

GeneDx
Classification: Likely benign. Last evaluated: 2016-03-04. Review status: criteria provided, single submitter. Criteria: GeneDx Variant Classification (06012015). Collection method: clinical testing. Allele origin: germline. Affected: yes.
Comment: This variant is considered likely benign or benign based on one or more of the following criteria: it is a conservative change, it occurs at a poorly conserved position in the protein, it is predicted to be benign by multiple in silico algorithms, and/or has population frequency not consistent with disease.